The following is an entry in ClinVar:

ClinVar aggregate classification (germline): Uncertain significance. Review status: criteria provided, multiple submitters, no conflicts (2 of 4 stars). 2 submissions from 2 submitters: Uncertain significance (2). Last evaluated 2024-04-22.

Submissions (2):

Labcorp Genetics (formerly Invitae), Labcorp
Classification: Uncertain significance. Last evaluated: 2024-04-22. Review status: criteria provided, single submitter. Criteria: Invitae Variant Classification Sherloc (09022015). Collection method: clinical testing. Allele origin: germline.
Comment: This sequence change replaces alanine, which is neutral and non-polar, with threonine, which is neutral and polar, at codon 1033 of the PTPN23 protein (p.Ala1033Thr). This variant is not present in population databases (gnomAD no frequency). This variant has not been reported in the literature in individuals affected with PTPN23-related conditions. ClinVar contains an entry for this variant (Variation ID: 1450185). An algorithm developed to predict the effect of missense changes on protein structure and function (PolyPhen-2) suggests that this variant is likely to be disruptive. In summary, the available evidence is currently insufficient to determine the role of this variant in disease. Therefore, it has been classified as a Variant of Uncertain Significance.

Blueprint Genetics
Classification: Uncertain significance. Last evaluated: 2023-01-19. Review status: criteria provided, single submitter. Criteria: ACMG Guidelines, 2015. Collection method: clinical testing. Allele origin: germline.

NM_015466.4(PTPN23):c.3097G>A (p.Ala1033Thr)

Gene: PTPN23 (protein tyrosine phosphatase non-receptor type 23; plus strand). Cytogenetic location: 3p21.31.
Variant type: single nucleotide variant.
Coding change: c.3097G>A on transcript NM_015466.4 (MANE Select); coding-DNA position 3097, G replaced by A.
Protein change: p.Ala1033Thr; replaces alanine 1033 with threonine.
Molecular consequence: missense variant.
Genome position (GRCh38, 1-based): chr3:47,410,895, G>A. VCF-style: chr3-47410895-G-A. GRCh37 (hg19) VCF-style: chr3-47452385-G-A.
Other names: c.2719G>A, p.Ala907Thr (NM_001304482.2); short protein forms A1033T, A907T.
Identifiers: ClinVar variation 1450185 (VCV001450185.7), dbSNP rs2107724034, ClinGen allele CA352561134.